The following is an entry in ClinVar:

ClinVar aggregate classification (germline): Uncertain significance (1 of 4 stars; one submission).

Conditions:
PHIP-related disorder. Also called: PHIP-related disorders; PHIP-related condition.

gnomAD v4.1: 3 of 1,604,804 alleles (0.00019%); highest among the groups gnomAD compares: Admixed American, 0.005%; no homozygotes.

Submission:

PreventionGenetics, part of Exact Sciences
Classification: Uncertain significance for PHIP-related condition. Last evaluated: 2025-01-13. Review status: criteria provided, single submitter. Criteria: ACMG Guidelines, 2015. Collection method: clinical testing. Allele origin: germline.
Comment: The PHIP c.4646T>C variant is predicted to result in the amino acid substitution p.Val1549Ala. To our knowledge, this variant has not been reported in the literature. This variant is reported in 0.0029% of alleles in individuals of Latino descent in gnomAD. At this time, the clinical significance of this variant is uncertain due to the absence of conclusive functional and genetic evidence.

NM_017934.7(PHIP):c.4646T>C (p.Val1549Ala)

Genes: IRAK1BP1 (interleukin 1 receptor associated kinase 1 binding protein 1; plus strand), PHIP (PHIP subunit of CUL4-Ring ligase complex; minus strand). Cytogenetic location: 6q14.1.
Variant type: single nucleotide variant.
Coding change: c.4646T>C on transcript NM_017934.7 (MANE Select); coding-DNA position 4646, T replaced by C.
Protein change: p.Val1549Ala; replaces valine 1549 with alanine.
Molecular consequence: missense variant.
Genome position (GRCh38, 1-based): chr6:78,945,482, A>G on the plus strand (T>C on the coding strand, the complement: PHIP is on the minus strand). VCF-style: chr6-78945482-A-G. GRCh37 (hg19) VCF-style: chr6-79655199-A-G.
Other names: short protein forms V1549A.
Identifiers: ClinVar variation 4985307 (VCV004985307.1).
Genomic context (GRCh38, chr6:78,945,482, plus strand): 5'-CCATGACTAAAACTGGATTGACCAGGACTGGAAAGAGTATTCAAAGCTTTGGAATGTTTC[A>G]CAGAATTCTCTAGTACTAAAACATACAAACAAAATTTAAAAATTAAGAGTTATTGAACCT-3'
Protein context (NP_060404.4, residues 1539-1559): IPGKTILENS[Val1549Ala]KHSKALNTLS